The following is an entry in ClinVar:

NM_001701.4(BAAT):c.867del (p.Leu290fs)

Gene: BAAT (bile acid-CoA:amino acid N-acyltransferase; minus strand). Cytogenetic location: 9q31.1.
Variant type: Deletion.
Coding change: c.867del on transcript NM_001701.4 (MANE Select); coding-DNA position 867, one base deleted (C; older notation c.867delC).
Protein change: p.Leu290fs; shifts the reading frame from leucine 290.
Molecular consequence: frameshift variant.
Genome position (GRCh38, 1-based): chr9:101,362,818, G deleted on the plus strand (C on the coding strand, the reverse complement: BAAT is on the minus strand); the first of 2 consecutive G bases (chr9:101,362,818-101,362,819); deleting either gives the same sequence. VCF-style (leftmost placement, unchanged base first): chr9-101362817-AG-A. GRCh37 (hg19) VCF-style: chr9-104125099-AG-A.
Other names: c.867del, p.Leu290fs (NM_001127610.2, NM_001374715.1); short protein forms L290fs.
Identifiers: ClinVar variation 2101896 (VCV002101896.4), dbSNP rs768441326, ClinGen allele CA5160619.

ClinVar aggregate classification (germline): Uncertain significance (1 of 4 stars; one submission).

Submission:

Labcorp Genetics (formerly Invitae), Labcorp
Classification: Uncertain significance. Last evaluated: 2024-08-14. Review status: criteria provided, single submitter. Criteria: Invitae Variant Classification Sherloc (09022015). Collection method: clinical testing. Allele origin: germline.
Comment: This sequence change creates a premature translational stop signal (p.Leu290Trpfs*4) in the BAAT gene. While this is not anticipated to result in nonsense mediated decay, it is expected to disrupt the last 129 amino acid(s) of the BAAT protein. This variant is present in population databases (rs768441326, gnomAD 0.002%). This variant has not been reported in the literature in individuals affected with BAAT-related conditions. ClinVar contains an entry for this variant (Variation ID: 2101896). This variant disrupts a region of the BAAT protein in which other variant(s) (p.Gly386Arg) have been observed in individuals with BAAT-related conditions (PMID: 23415802). This suggests that this is a clinically significant region of the protein, and that variants that disrupt it are likely to be disease-causing. In summary, the available evidence is currently insufficient to determine the role of this variant in disease. Therefore, it has been classified as a Variant of Uncertain Significance.

Literature cited by the submitters: PubMed 23415802.